The following is an entry in ClinVar:

NM_000343.4(SLC5A1):c.344T>G (p.Leu115Arg)

Gene: SLC5A1 (solute carrier family 5 member 1; plus strand). Cytogenetic location: 22q12.3.
Variant type: single nucleotide variant.
Coding change: c.344T>G on transcript NM_000343.4 (MANE Select); coding-DNA position 344, T replaced by G.
Protein change: p.Leu115Arg; replaces leucine 115 with arginine.
Molecular consequence: missense variant. On other transcripts: 5 prime UTR variant (1).
Genome position (GRCh38, 1-based): chr22:32,067,998, T>G. VCF-style: chr22-32067998-T-G. GRCh37 (hg19) VCF-style: chr22-32463985-T-G.
Other names: c.-38T>G (NM_001256314.2); short protein forms L115R.
Identifiers: ClinVar variation 1005454 (VCV001005454.7), dbSNP rs777391124, ClinGen allele CA10197926.

ClinVar aggregate classification (germline): Uncertain significance. Review status: criteria provided, multiple submitters, no conflicts (2 of 4 stars). 2 submissions from 2 submitters: Uncertain significance (2). Last evaluated 2022-02-05.

Conditions:
Congenital glucose-galactose malabsorption (GGM). Also called: DIARRHEA 16; MONOSACCHARIDE MALABSORPTION. Identifiers: Orphanet 35710, MedGen C0268186, MONDO:0011731, OMIM 606824.

Allele frequency attached by ClinVar (database versions not stated): gnomAD 0.00002; gnomAD exomes 0.00002 and 0.00004; ExAC 0.00004; TOPMed 0.00004.
gnomAD v4.1: 37 of 1,614,090 alleles (0.0023%); highest among the groups gnomAD compares: South Asian, 0.022%; no homozygotes.

Submissions (2):

Labcorp Genetics (formerly Invitae), Labcorp
Classification: Uncertain significance for Congenital glucose-galactose malabsorption. Last evaluated: 2022-02-05. Review status: criteria provided, single submitter. Criteria: Invitae Variant Classification Sherloc (09022015). Collection method: clinical testing. Allele origin: germline.
Comment: This sequence change replaces leucine, which is neutral and non-polar, with arginine, which is basic and polar, at codon 115 of the SLC5A1 protein (p.Leu115Arg). This variant is present in population databases (rs777391124, gnomAD 0.03%). This variant has not been reported in the literature in individuals affected with SLC5A1-related conditions. ClinVar contains an entry for this variant (Variation ID: 1005454). Algorithms developed to predict the effect of missense changes on protein structure and function (SIFT, PolyPhen-2, Align-GVGD) all suggest that this variant is likely to be disruptive. In summary, the available evidence is currently insufficient to determine the role of this variant in disease. Therefore, it has been classified as a Variant of Uncertain Significance.

Fulgent Genetics
Classification: Uncertain significance for Congenital glucose-galactose malabsorption. Last evaluated: 2022-01-28. Review status: criteria provided, single submitter. Criteria: ACMG Guidelines, 2015. Collection method: clinical testing. Allele origin: unknown.